The following is an entry in ClinVar:

ClinVar aggregate classification (germline): Uncertain significance (1 of 4 stars; one submission).

Conditions:
Hyper-IgE recurrent infection syndrome 3, autosomal recessive. Also called: Autosomal recessive hyper-IgE syndrome due to ZNF341 deficiency; HYPER-IgE SYNDROME 3, AUTOSOMAL RECESSIVE, WITH RECURRENT INFECTIONS. Identifiers: Orphanet 641368, MedGen C4748969, MONDO:0032654, OMIM 618282.

Allele frequency attached by ClinVar (database versions not stated): gnomAD exomes below 0.00001.
gnomAD v4.1: 1 of 1,614,162 alleles (0.000062%); highest among the groups gnomAD compares: African/African-American, 0.0013%; no homozygotes.

Submission:

Labcorp Genetics (formerly Invitae), Labcorp
Classification: Uncertain significance for Combined immunodeficiency due to DOCK8 deficiency. Last evaluated: 2022-02-03. Review status: criteria provided, single submitter. Criteria: Invitae Variant Classification Sherloc (09022015). Collection method: clinical testing. Allele origin: germline.
Comment: In summary, the available evidence is currently insufficient to determine the role of this variant in disease. Therefore, it has been classified as a Variant of Uncertain Significance. Algorithms developed to predict the effect of missense changes on protein structure and function (SIFT, PolyPhen-2, Align-GVGD) all suggest that this variant is likely to be tolerated. This variant has not been reported in the literature in individuals affected with DOCK8-related conditions. This variant is not present in population databases (gnomAD no frequency). This sequence change replaces glutamine, which is neutral and polar, with glutamic acid, which is acidic and polar, at codon 1284 of the DOCK8 protein (p.Gln1284Glu).

NM_203447.4(DOCK8):c.3850C>G (p.Gln1284Glu)

Gene: DOCK8 (dedicator of cytokinesis 8; plus strand). Cytogenetic location: 9p24.3.
Variant type: single nucleotide variant.
Coding change: c.3850C>G on transcript NM_203447.4 (MANE Select); coding-DNA position 3850, C replaced by G.
Protein change: p.Gln1284Glu; replaces glutamine 1284 with glutamic acid.
Molecular consequence: missense variant.
Genome position (GRCh38, 1-based): chr9:420,410, C>G. VCF-style: chr9-420410-C-G. GRCh37 (hg19) VCF-style: chr9-420410-C-G.
Other names: c.3550C>G, p.Gln1184Glu (NM_001190458.2); c.3646C>G, p.Gln1216Glu (NM_001193536.2); short protein forms Q1184E, Q1216E, Q1284E.
Identifiers: ClinVar variation 2092592 (VCV002092592.2), dbSNP rs2538789437, ClinGen allele CA372763507.